The following is an entry in ClinVar:

NM_004134.7(HSPA9):c.1373_1378del (p.Ile458_Asn459del)

Gene: HSPA9 (heat shock protein family A (Hsp70) member 9; minus strand). Cytogenetic location: 5q31.2.
Variant type: Deletion.
Coding change: c.1373_1378del on transcript NM_004134.7 (MANE Select); coding-DNA positions 1373 to 1378, 6 bases deleted (TTAATA; older notation c.1373_1378delTTAATA).
Protein change: p.Ile458_Asn459del.
Molecular consequence: inframe deletion.
Genome position (GRCh38, 1-based): chr5:138,559,896-138,559,901, TATTAA deleted on the plus strand (TTAATA on the coding strand, the reverse complement: HSPA9 is on the minus strand); deleting any 6 consecutive bases within chr5:138,559,896-138,559,903 gives the same sequence; the c. name uses the placement nearest the transcript's 3' end. VCF-style (leftmost placement, unchanged base first): chr5-138559895-CTATTAA-C. GRCh37 (hg19) VCF-style: chr5-137895584-CTATTAA-C.
Identifiers: ClinVar variation 224070 (VCV000224070.19), dbSNP rs869312659, ClinGen allele CA353421.

ClinVar aggregate classification (germline): Uncertain significance. Review status: criteria provided, single submitter (1 of 4 stars). 2 submissions from 2 submitters: Uncertain significance (1). 1 of the submissions does not count toward it. Last evaluated 2025-01-01.

Conditions:
Autosomal dominant sideroblastic anemia. Also called: Anemia, sideroblastic, 4. Identifiers: Orphanet 260305, MedGen C4225428, MONDO:0008422, OMIM 182170.

Submissions (2):

CeGaT Center for Human Genetics Tuebingen
Classification: Uncertain significance. Last evaluated: 2025-01-01. Review status: criteria provided, single submitter. Criteria: CeGaT Center For Human Genetics Tuebingen Variant Classification Criteria Version 2. Collection method: clinical testing. Allele origin: germline. Affected: yes. Observed: 2 variant alleles.
Comment: HSPA9: PM2, PM4, PS4:Supporting

OMIM
Classification: Pathogenic for ANEMIA, SIDEROBLASTIC, 4. Last evaluated: 2017-07-12. Review status: no assertion criteria provided. Collection method: literature only. Allele origin: germline. Not counted in ClinVar's aggregate classification.

Literature cited by the submitters: PubMed 26491070 (cited by OMIM).